The following is an entry in ClinVar:

ClinVar aggregate classification (germline): Uncertain significance (1 of 4 stars; one submission).

Submission:

Labcorp Genetics (formerly Invitae), Labcorp
Classification: Uncertain significance. Last evaluated: 2022-11-08. Review status: criteria provided, single submitter. Criteria: Invitae Variant Classification Sherloc (09022015). Collection method: clinical testing. Allele origin: germline.
Comment: This sequence change falls in intron 19 of the SEC24D gene. It does not directly change the encoded amino acid sequence of the SEC24D protein. This variant is not present in population databases (gnomAD no frequency). This variant has not been reported in the literature in individuals affected with SEC24D-related conditions. Algorithms developed to predict the effect of sequence changes on RNA splicing suggest that this variant may disrupt the consensus splice site. In summary, the available evidence is currently insufficient to determine the role of this variant in disease. Therefore, it has been classified as a Variant of Uncertain Significance.

NM_014822.4(SEC24D):c.2497-8T>C

Gene: SEC24D (SEC24 homolog D, COPII component; minus strand). Cytogenetic location: 4q26.
Variant type: single nucleotide variant.
Coding change: c.2497-8T>C on transcript NM_014822.4 (MANE Select); 8 bases into the intron before coding-DNA position 2497, T replaced by C.
Molecular consequence: intron variant.
Genome position (GRCh38, 1-based): chr4:118,732,920, A>G on the plus strand (T>C on the coding strand, the complement: SEC24D is on the minus strand). VCF-style: chr4-118732920-A-G. GRCh37 (hg19) VCF-style: chr4-119654075-A-G.
Other names: c.2500-8T>C (NM_001318066.2).
Identifiers: ClinVar variation 2016880 (VCV002016880.4), dbSNP rs2530062808, ClinGen allele CA2580071398.